The following is an entry in ClinVar:

NM_015141.4(GPD1L):c.838G>A (p.Ala280Thr)

Gene: GPD1L (glycerol-3-phosphate dehydrogenase 1 like; plus strand). Cytogenetic location: 3p22.3.
Variant type: single nucleotide variant.
Coding change: c.838G>A on transcript NM_015141.4 (MANE Select); coding-DNA position 838, G replaced by A.
Protein change: p.Ala280Thr; replaces alanine 280 with threonine.
Molecular consequence: missense variant.
Genome position (GRCh38, 1-based): chr3:32,159,095, G>A. VCF-style: chr3-32159095-G-A. GRCh37 (hg19) VCF-style: chr3-32200587-G-A.
Other names: short protein forms A280T.
Identifiers: ClinVar variation 644362 (VCV000644362.6), dbSNP rs764691105, ClinGen allele CA2296754.

ClinVar aggregate classification (germline): Conflicting classifications of pathogenicity. Review status: criteria provided, conflicting classifications (1 of 4 stars). 3 submissions from 3 submitters: Uncertain significance (2); Benign (1). Last evaluated 2023-12-04.

Conditions:
Cardiovascular phenotype. Identifiers: MedGen CN230736.
Brugada syndrome. Also called: Sudden unexpected nocturnal death syndrome; Sudden Unexplained Death Syndrome; Sudden Unexplained Nocturnal Death Syndrome (SUNDS); Sudden unexplained nocturnal death syndrome. Identifiers: Orphanet 130, MedGen C1142166, MONDO:0015263.
Brugada syndrome 2 (BRGDA2). Identifiers: Orphanet 130, MedGen C2673193, MONDO:0012728, OMIM 611777.

Allele frequency attached by ClinVar (database versions not stated): gnomAD exomes 0.00005; gnomAD 0.00002; TOPMed 0.00002; ExAC 0.00003.
gnomAD v4.1: 55 of 1,613,092 alleles (0.0034%); highest among the groups gnomAD compares: South Asian, 0.016%; no homozygotes.

Submissions (3):

Labcorp Genetics (formerly Invitae), Labcorp
Classification: Uncertain significance for Brugada syndrome. Last evaluated: 2023-12-04. Review status: criteria provided, single submitter. Criteria: Invitae Variant Classification Sherloc (09022015). Collection method: clinical testing. Allele origin: germline.
Comment: This sequence change replaces alanine, which is neutral and non-polar, with threonine, which is neutral and polar, at codon 280 of the GPD1L protein (p.Ala280Thr). This variant is present in population databases (rs764691105, gnomAD 0.03%). This missense change has been observed in individual(s) with clinical features of GPD1L-related conditions (PMID: 29247119). ClinVar contains an entry for this variant (Variation ID: 644362). Advanced modeling of protein sequence and biophysical properties (such as structural, functional, and spatial information, amino acid conservation, physicochemical variation, residue mobility, and thermodynamic stability) performed at Invitae indicates that this missense variant is not expected to disrupt GPD1L protein function with a negative predictive value of 80%. In summary, the available evidence is currently insufficient to determine the role of this variant in disease. Therefore, it has been classified as a Variant of Uncertain Significance.

Ambry Genetics
Classification: Benign for Cardiovascular phenotype. Last evaluated: 2023-11-22. Review status: criteria provided, single submitter. Criteria: Ambry Variant Classification Scheme 2023. Collection method: clinical testing. Allele origin: germline.

Fulgent Genetics
Classification: Uncertain significance for Brugada syndrome 2. Last evaluated: 2021-09-17. Review status: criteria provided, single submitter. Criteria: ACMG Guidelines, 2015. Collection method: clinical testing. Allele origin: unknown.

Literature cited by the submitters: PubMed 29247119 (cited by Labcorp Genetics (formerly Invitae), Labcorp and Ambry Genetics).